The following is an entry in ClinVar:

NM_002458.3(MUC5B):c.4749C>T (p.Gly1583=)

Gene: MUC5B (mucin 5B, oligomeric mucus/gel-forming; plus strand). Cytogenetic location: 11p15.5.
Variant type: single nucleotide variant.
Coding change: c.4749C>T on transcript NM_002458.3 (MANE Select); coding-DNA position 4749, C replaced by T.
Protein change: p.Gly1583=; no amino-acid change (glycine 1583 retained).
Molecular consequence: synonymous variant.
Genome position (GRCh38, 1-based): chr11:1,241,629, C>T. VCF-style: chr11-1241629-C-T. GRCh37 (hg19) VCF-style: chr11-1262859-C-T.
Identifiers: ClinVar variation 3770518 (VCV003770518.13).

ClinVar aggregate classification (germline): Likely benign (1 of 4 stars; one submission).

gnomAD v4.1: 3,514 of 1,612,188 alleles (0.22%); highest among the groups gnomAD compares: South Asian, 0.81%; 13 homozygotes.

Submission:

CeGaT Center for Human Genetics Tuebingen
Classification: Likely benign. Last evaluated: 2026-02-01. Review status: criteria provided, single submitter. Criteria: CeGaT Center For Human Genetics Tuebingen Variant Classification Criteria Version 2. Collection method: clinical testing. Allele origin: germline. Affected: yes. Observed: 2 variant alleles.
Comment: MUC5B: BP4, BP7